The following is an entry in ClinVar:

ClinVar aggregate classification (germline): Uncertain significance (1 of 4 stars; one submission).

Submission:

Labcorp Genetics (formerly Invitae), Labcorp
Classification: Uncertain significance. Last evaluated: 2024-09-12. Review status: criteria provided, single submitter. Criteria: Invitae Variant Classification Sherloc (09022015). Collection method: clinical testing. Allele origin: germline.
Comment: This sequence change replaces alanine, which is neutral and non-polar, with threonine, which is neutral and polar, at codon 44 of the INTU protein (p.Ala44Thr). This variant is present in population databases (no rsID available, gnomAD 0.002%). This variant has not been reported in the literature in individuals affected with INTU-related conditions. Invitae Evidence Modeling of protein sequence and biophysical properties (such as structural, functional, and spatial information, amino acid conservation, physicochemical variation, residue mobility, and thermodynamic stability) indicates that this missense variant is not expected to disrupt INTU protein function with a negative predictive value of 80%. In summary, the available evidence is currently insufficient to determine the role of this variant in disease. Therefore, it has been classified as a Variant of Uncertain Significance.

NM_015693.4(INTU):c.130G>A (p.Ala44Thr)

Gene: INTU (inturned planar cell polarity protein; plus strand). Cytogenetic location: 4q28.1.
Variant type: single nucleotide variant.
Coding change: c.130G>A on transcript NM_015693.4 (MANE Select); coding-DNA position 130, G replaced by A.
Protein change: p.Ala44Thr; replaces alanine 44 with threonine.
Molecular consequence: missense variant.
Genome position (GRCh38, 1-based): chr4:127,633,164, G>A. VCF-style: chr4-127633164-G-A. GRCh37 (hg19) VCF-style: chr4-128554319-G-A.
Other names: short protein forms A44T.
Identifiers: ClinVar variation 3665557 (VCV003665557.2).
Genomic context (GRCh38, chr4:127,633,164, plus strand): 5'-GAAGAAGATGAGGACTATGATTTTGAAGATCGGGTCAGCGACTCGGGTTCATATTCCTCA[G>A]CGAGTAGCGATTATGAGTAAGGTTTTCAAAGAGGGACAATTAATCCCATCCCATCAATCC-3'
Protein context (NP_056508.2, residues 34-54): RVSDSGSYSS[Ala44Thr]SSDYDDLEPE